The following is an entry in ClinVar:

ClinVar aggregate classification (germline): Uncertain significance. Review status: criteria provided, multiple submitters, no conflicts (2 of 4 stars). 3 submissions from 3 submitters: Uncertain significance (3). Last evaluated 2024-08-11.

Conditions:
Hereditary cancer-predisposing syndrome. Also called: Tumor predisposition; Neoplastic Syndromes, Hereditary; Hereditary Cancer Syndrome; Hereditary neoplastic syndrome. Identifiers: Orphanet 140162, MedGen C0027672, MeSH D009386, MONDO:0015356.
Familial thoracic aortic aneurysm and aortic dissection (TAAD). Also called: Thoracic aortic aneurysms and dissections. Identifiers: Orphanet 91387, MedGen C4707243, MONDO:0019625.
Juvenile polyposis syndrome (JPS). Identifiers: Orphanet 2929, MedGen C0345893, MONDO:0017380, OMIM 174900.

Allele frequency attached by ClinVar (database versions not stated): gnomAD exomes below 0.00001.
gnomAD v4.1: 5 of 1,613,610 alleles (0.00031%); highest among the groups gnomAD compares: Non-Finnish European, 0.00034%; no homozygotes.

Submissions (3):

Labcorp Genetics (formerly Invitae), Labcorp
Classification: Uncertain significance for Juvenile polyposis syndrome. Last evaluated: 2024-08-11. Review status: criteria provided, single submitter. Criteria: Invitae Variant Classification Sherloc (09022015). Collection method: clinical testing. Allele origin: germline.
Comment: This sequence change replaces histidine, which is basic and polar, with arginine, which is basic and polar, at codon 287 of the SMAD4 protein (p.His287Arg). This variant is not present in population databases (gnomAD no frequency). This variant has not been reported in the literature in individuals affected with SMAD4-related conditions. ClinVar contains an entry for this variant (Variation ID: 628385). Advanced modeling of protein sequence and biophysical properties (such as structural, functional, and spatial information, amino acid conservation, physicochemical variation, residue mobility, and thermodynamic stability) has been performed at Invitae for this missense variant, however the output from this modeling did not meet the statistical confidence thresholds required to predict the impact of this variant on SMAD4 protein function. In summary, the available evidence is currently insufficient to determine the role of this variant in disease. Therefore, it has been classified as a Variant of Uncertain Significance.

Color Diagnostics, LLC DBA Color Health
Classification: Uncertain significance for Hereditary cancer-predisposing syndrome. Last evaluated: 2023-12-04. Review status: criteria provided, single submitter. Criteria: ACMG Guidelines, 2015. Collection method: clinical testing. Allele origin: germline.
Comment: This missense variant replaces histidine with arginine at codon 287 of the SMAD4 protein. Computational prediction suggests that this variant may not impact protein structure and function (internally defined REVEL score threshold <= 0.5, PMID: 27666373). To our knowledge, functional studies have not been reported for this variant. This variant has not been reported in individuals affected with SMAD4-related disorders in the literature. This variant has not been identified in the general population by the Genome Aggregation Database (gnomAD). The available evidence is insufficient to determine the role of this variant in disease conclusively. Therefore, this variant is classified as a Variant of Uncertain Significance.

Ambry Genetics
Classification: Uncertain significance for Hereditary cancer-predisposing syndrome; Familial thoracic aortic aneurysm and aortic dissection. Last evaluated: 2021-05-03. Review status: criteria provided, single submitter. Criteria: Ambry Variant Classification Scheme 2023. Collection method: clinical testing. Allele origin: germline.
Comment: The p.H287R variant (also known as c.860A>G), located in coding exon 6 of the SMAD4 gene, results from an A to G substitution at nucleotide position 860. The histidine at codon 287 is replaced by arginine, an amino acid with highly similar properties. This amino acid position is highly conserved in available vertebrate species. In addition, this alteration is predicted to be deleterious by in silico analysis. Since supporting evidence is limited at this time, the clinical significance of this alteration remains unclear.

NM_005359.6(SMAD4):c.860A>G (p.His287Arg)

Gene: SMAD4 (SMAD family member 4; plus strand). Cytogenetic location: 18q21.2.
Variant type: single nucleotide variant.
Coding change: c.860A>G on transcript NM_005359.6 (MANE Select); coding-DNA position 860, A replaced by G.
Protein change: p.His287Arg; replaces histidine 287 with arginine.
Molecular consequence: missense variant.
Genome position (GRCh38, 1-based): chr18:51,058,412, A>G. VCF-style: chr18-51058412-A-G. GRCh37 (hg19) VCF-style: chr18-48584782-A-G.
Other names: short protein forms H287R.
Identifiers: ClinVar variation 628385 (VCV000628385.15), dbSNP rs1568206180, ClinGen allele CA402463527.